The following is an entry in ClinVar:

ClinVar aggregate classification (germline): Uncertain significance (1 of 4 stars; one submission).

Conditions:
Immunodeficiency 104. Also called: SCID, AUTOSOMAL RECESSIVE, T CELL-NEGATIVE, B CELL-POSITIVE, NK CELL-POSITIVE; Severe Combined Immune Deficiency, Autosomal Recessive, TCell -Negative, B Cell-Positive, NK Cell-Positive, IL7R-Related; Severe combined immunodeficiency, autosomal recessive, T cell-negative, B cell-positive, NK cell-positive; IMMUNODEFICIENCY 104, SEVERE COMBINED. Identifiers: MedGen C5676890, MONDO:0012163, OMIM 608971.

Allele frequency attached by ClinVar (database versions not stated): gnomAD exomes below 0.00001; TOPMed below 0.00001.
gnomAD v4.1: 2 of 1,611,894 alleles (0.00012%); highest among the groups gnomAD compares: Non-Finnish European, 0.00017%; no homozygotes.

Submission:

Labcorp Genetics (formerly Invitae), Labcorp
Classification: Uncertain significance for Immunodeficiency 104. Last evaluated: 2018-05-22. Review status: criteria provided, single submitter. Criteria: Invitae Variant Classification Sherloc (09022015). Collection method: clinical testing. Allele origin: germline.
Comment: In summary, the available evidence is currently insufficient to determine the role of this variant in disease. Therefore, it has been classified as a Variant of Uncertain Significance. Algorithms developed to predict the effect of missense changes on protein structure and function are either unavailable or do not agree on the potential impact of this missense change (SIFT: "Deleterious"; PolyPhen-2: "Probably Damaging"; Align-GVGD: "Class C0"). This variant has not been reported in the literature in individuals with PTPRC-related disease. This variant is not present in population databases (ExAC no frequency). This sequence change replaces arginine with cysteine at codon 682 of the PTPRC protein (p.Arg682Cys). The arginine residue is highly conserved and there is a large physicochemical difference between arginine and cysteine.

NM_002838.5(PTPRC):c.2044C>T (p.Arg682Cys)

Gene: PTPRC (protein tyrosine phosphatase receptor type C; plus strand). Cytogenetic location: 1q32.1.
Variant type: single nucleotide variant.
Coding change: c.2044C>T on transcript NM_002838.5 (MANE Select); coding-DNA position 2044, C replaced by T.
Protein change: p.Arg682Cys; replaces arginine 682 with cysteine.
Molecular consequence: missense variant.
Genome position (GRCh38, 1-based): chr1:198,732,369, C>T. VCF-style: chr1-198732369-C-T. GRCh37 (hg19) VCF-style: chr1-198701498-C-T.
Other names: c.1561C>T, p.Arg521Cys (NM_080921.4); short protein forms R682C, R521C.
Identifiers: ClinVar variation 576334 (VCV000576334.7), dbSNP rs1553243145, ClinGen allele CA344045515.